The following is an entry in ClinVar:

ClinVar aggregate classification (germline): Likely benign. Review status: criteria provided, multiple submitters, no conflicts (2 of 4 stars). 4 submissions from 4 submitters: Likely benign (3). 1 of the submissions does not count toward it. Last evaluated 2026-01-14.

Conditions:
Polyglandular autoimmune syndrome, type 1 (APS1). Also called: Autoimmune polyendocrine syndrome type 1; APS I; HYPOADRENOCORTICISM WITH HYPOPARATHYROIDISM AND SUPERFICIAL MONILIASIS; PGA I; Autoimmune polyendocrinopathy syndrome , type I, with or without reversible metaphyseal dysplasia; AUTOIMMUNE POLYENDOCRINE SYNDROME, TYPE I, WITH OR WITHOUT REVERSIBLE METAPHYSEAL DYSPLASIA. Identifiers: Orphanet 3453, MedGen C0085859, MONDO:0009411, OMIM 240300.

Allele frequency attached by ClinVar (database versions not stated): TOPMed 0.00007; gnomAD 0.00009; ESP Exome Variant Server 0.00023.
gnomAD v4.1: 178 of 1,611,838 alleles (0.011%); highest among the groups gnomAD compares: Middle Eastern, 0.016%; no homozygotes.

Submissions (4):

Labcorp Genetics (formerly Invitae), Labcorp
Classification: Likely benign for Polyglandular autoimmune syndrome, type 1. Last evaluated: 2026-01-14. Review status: criteria provided, single submitter. Criteria: Invitae Variant Classification Sherloc (09022015). Collection method: clinical testing. Allele origin: germline.

Blueprint Genetics
Classification: Likely benign. Last evaluated: 2024-07-22. Review status: criteria provided, single submitter. Criteria: ACMG Guidelines, 2015. Collection method: clinical testing. Allele origin: germline.

CeGaT Center for Human Genetics Tuebingen
Classification: Likely benign. Last evaluated: 2023-01-01. Review status: criteria provided, single submitter. Criteria: CeGaT Center For Human Genetics Tuebingen Variant Classification Criteria Version 2. Collection method: clinical testing. Allele origin: germline. Affected: yes. Observed: 1 variant allele.
Comment: AIRE: BP4, BP7

Natera, Inc.
Classification: Likely benign for Polyglandular autoimmune syndrome type 1. Last evaluated: 2021-02-25. Review status: no assertion criteria provided. Collection method: clinical testing. Allele origin: germline. Not counted in ClinVar's aggregate classification.

NM_000383.4(AIRE):c.615C>T (p.Ala205=)

Gene: AIRE (autoimmune regulator; plus strand). Cytogenetic location: 21q22.3.
Variant type: single nucleotide variant.
Coding change: c.615C>T on transcript NM_000383.4 (MANE Select); coding-DNA position 615, C replaced by T.
Protein change: p.Ala205=; no amino-acid change (alanine 205 retained).
Molecular consequence: synonymous variant.
Genome position (GRCh38, 1-based): chr21:44,288,421, C>T. VCF-style: chr21-44288421-C-T. GRCh37 (hg19) VCF-style: chr21-45708304-C-T.
Identifiers: ClinVar variation 736760 (VCV000736760.38), dbSNP rs143784684, ClinGen allele CA10051641.